The following is an entry in ClinVar:

NM_003036.4(SKI):c.1848C>G (p.Ile616Met)

Gene: SKI (SKI proto-oncogene; plus strand). Cytogenetic location: 1p36.32.
Variant type: single nucleotide variant.
Coding change: c.1848C>G on transcript NM_003036.4 (MANE Select); coding-DNA position 1848, C replaced by G.
Protein change: p.Ile616Met; replaces isoleucine 616 with methionine.
Molecular consequence: missense variant.
Genome position (GRCh38, 1-based): chr1:2,306,100, C>G. VCF-style: chr1-2306100-C-G. GRCh37 (hg19) VCF-style: chr1-2237539-C-G.
Other names: short protein forms I616M.
Identifiers: ClinVar variation 463399 (VCV000463399.10), dbSNP rs1044806468, ClinGen allele CA16897775.

ClinVar aggregate classification (germline): Uncertain significance. Review status: criteria provided, multiple submitters, no conflicts (2 of 4 stars). 3 submissions from 3 submitters: Uncertain significance (3). Last evaluated 2025-04-28.

Conditions:
Shprintzen-Goldberg syndrome (SGS). Also called: CRANIOSYNOSTOSIS WITH ARACHNODACTYLY AND ABDOMINAL HERNIAS; Marfanoid disorder with craniosynostosis type 1; Marfanoid craniosynostosis syndrome; Shprintzen-Goldberg marfanoid syndrome; SHPRINTZEN-GOLDBERG CRANIOSYNOSTOSIS SYNDROME. Identifiers: Orphanet 2462, MedGen C1321551, MONDO:0008426, OMIM 182212.
Familial thoracic aortic aneurysm and aortic dissection (TAAD). Also called: Thoracic aortic aneurysms and dissections. Identifiers: Orphanet 91387, MedGen C4707243, MONDO:0019625.

Submissions (3):

Labcorp Genetics (formerly Invitae), Labcorp
Classification: Uncertain significance for Shprintzen-Goldberg syndrome. Last evaluated: 2025-04-28. Review status: criteria provided, single submitter. Criteria: Invitae Variant Classification Sherloc (09022015). Collection method: clinical testing. Allele origin: germline.
Comment: This sequence change replaces isoleucine, which is neutral and non-polar, with methionine, which is neutral and non-polar, at codon 616 of the SKI protein (p.Ile616Met). This variant is not present in population databases (gnomAD no frequency). This variant has not been reported in the literature in individuals affected with SKI-related conditions. ClinVar contains an entry for this variant (Variation ID: 463399). Invitae Evidence Modeling of protein sequence and biophysical properties (such as structural, functional, and spatial information, amino acid conservation, physicochemical variation, residue mobility, and thermodynamic stability) indicates that this missense variant is not expected to disrupt SKI protein function with a negative predictive value of 95%. In summary, the available evidence is currently insufficient to determine the role of this variant in disease. Therefore, it has been classified as a Variant of Uncertain Significance.

GeneDx
Classification: Uncertain significance. Last evaluated: 2024-07-15. Review status: criteria provided, single submitter. Criteria: GeneDx Variant Classification Process June 2021. Collection method: clinical testing. Allele origin: germline. Affected: yes.
Comment: Has not been previously published as pathogenic or benign to our knowledge; In silico analysis indicates that this missense variant does not alter protein structure/function

Ambry Genetics
Classification: Uncertain significance for Familial thoracic aortic aneurysm and aortic dissection. Last evaluated: 2024-06-23. Review status: criteria provided, single submitter. Criteria: Ambry Variant Classification Scheme 2023. Collection method: clinical testing. Allele origin: germline.
Comment: The p.I616M variant (also known as c.1848C>G), located in coding exon 6 of the SKI gene, results from a C to G substitution at nucleotide position 1848. The isoleucine at codon 616 is replaced by methionine, an amino acid with highly similar properties. This amino acid position is conserved. In addition, the in silico prediction for this alteration is inconclusive. Based on the available evidence, the clinical significance of this variant remains unclear.